The following is an entry in ClinVar:

ClinVar aggregate classification (germline): Uncertain significance. Review status: criteria provided, multiple submitters, no conflicts (2 of 4 stars). 2 submissions from 2 submitters: Uncertain significance (2). Last evaluated 2019-03-18.

Conditions:
Hereditary cancer-predisposing syndrome. Also called: Hereditary Cancer Syndrome; Tumor predisposition; Hereditary neoplastic syndrome; Neoplastic Syndromes, Hereditary. Identifiers: Orphanet 140162, MedGen C0027672, MeSH D009386, MONDO:0015356.
Hereditary breast ovarian cancer syndrome. Also called: Hereditary breast and ovarian cancer; Hereditary breast and ovarian cancer syndrome; BRCA1- and BRCA2-Associated Hereditary Breast and Ovarian Cancer; Hereditary breast and ovarian cancer syndrome (HBOC); Breast and ovarian cancer; Hereditary breast and/or ovarian cancer syndrome. Identifiers: Orphanet 145, MedGen C0677776, MeSH D061325, MONDO:0003582. Disease mechanism: loss of function.

Submissions (2):

Ambry Genetics
Classification: Uncertain significance for Hereditary cancer-predisposing syndrome. Last evaluated: 2019-03-18. Review status: criteria provided, single submitter. Criteria: Ambry Variant Classification Scheme 2023. Collection method: clinical testing. Allele origin: germline.
Comment: The p.G2439V variant (also known as c.7316G>T), located in coding exon 13 of the BRCA2 gene, results from a G to T substitution at nucleotide position 7316. The glycine at codon 2439 is replaced by valine, an amino acid with dissimilar properties. This amino acid position is poorly conserved in available vertebrate species. In addition, this alteration is predicted to be tolerated by in silico analysis. Since supporting evidence is limited at this time, the clinical significance of this alteration remains unclear.

Labcorp Genetics (formerly Invitae), Labcorp
Classification: Uncertain significance for Hereditary breast ovarian cancer syndrome. Last evaluated: 2018-08-27. Review status: criteria provided, single submitter. Criteria: Invitae Variant Classification Sherloc (09022015). Collection method: clinical testing. Allele origin: germline.
Comment: This variant has not been reported in the literature in individuals with BRCA2-related disease. In summary, the available evidence is currently insufficient to determine the role of this variant in disease. Therefore, it has been classified as a Variant of Uncertain Significance. Algorithms developed to predict the effect of missense changes on protein structure and function (SIFT, PolyPhen-2, Align-GVGD) all suggest that this variant is likely to be tolerated, but these predictions have not been confirmed by published functional studies and their clinical significance is uncertain. This variant is not present in population databases (ExAC no frequency). This sequence change replaces glycine with valine at codon 2439 of the BRCA2 protein (p.Gly2439Val). The glycine residue is weakly conserved and there is a moderate physicochemical difference between glycine and valine.

NM_000059.4(BRCA2):c.7316G>T (p.Gly2439Val)

Gene: BRCA2 (BRCA2 DNA repair associated; plus strand). Cytogenetic location: 13q13.1.
Variant type: single nucleotide variant.
Coding change: c.7316G>T on transcript NM_000059.4 (MANE Select); coding-DNA position 7316, G replaced by T.
Protein change: p.Gly2439Val; replaces glycine 2439 with valine.
Molecular consequence: missense variant.
Genome position (GRCh38, 1-based): chr13:32,355,169, G>T. VCF-style: chr13-32355169-G-T. GRCh37 (hg19) VCF-style: chr13-32929306-G-T.
Other names: short protein forms G2439V.
Identifiers: ClinVar variation 647609 (VCV000647609.13), dbSNP rs1555286076, ClinGen allele CA387741071.